The following is an entry in ClinVar:

NM_175914.5(HNF4A):c.*3142del

Gene: HNF4A (hepatocyte nuclear factor 4 alpha; plus strand). Cytogenetic location: 20q13.12.
Variant type: Deletion.
Coding change: c.*3142del on transcript NM_175914.5 (MANE Select); 3142 bases downstream of the stop codon, one base deleted (A; older notation c.*3142delA).
Molecular consequence: 3 prime UTR variant.
Genome position (GRCh38, 1-based): chr20:44,432,807, A deleted; the last of 4 consecutive A bases (chr20:44,432,804-44,432,807); deleting any one gives the same sequence. VCF-style (leftmost placement, unchanged base first): chr20-44432803-CA-C. GRCh37 (hg19) VCF-style: chr20-43061443-CA-C.
Other names: c.*3142del (NM_000457.6, NM_001030003.3, NM_001258355.2 and 3 more transcripts).
Identifiers: ClinVar variation 338497 (VCV000338497.6), dbSNP rs141563916, ClinGen allele CA10643923.

ClinVar aggregate classification (germline): Likely benign (1 of 4 stars; one submission).

Conditions:
Maturity-onset diabetes of the young (MODY). Also called: Maturity onset diabetes mellitus in young. Identifiers: Orphanet 552, MedGen C0342276, MONDO:0018911, HP:0004904.

Submission:

Clinical Genomics, Uppaluri K&H Personalized Medicine Clinic
Classification: Likely benign for Maturity-onset diabetes of the young. Review status: criteria provided, single submitter. Criteria: K & H Uppaluri Personalized Medicine Clinic Variant Classification & Assertion Criteria_Updated V.1. Collection method: research. Allele origin: unknown. Inheritance: Autosomal dominant inheritance.
Comment: Potent mutations in HNF4A are associated with poor insulin secretion in response to hyperglycemia. Associated with MODY1. Patients initially respond well to sulfonylureas but eventually become insulin dependent. However, more evidence is required to ascertain the role of this particular variant rs141563916 in MODY, yet.

Literature cited by the submitters: DOI 10.1159/000334532; PubMed 18268044; PubMed 17563455; PubMed 32583173; PubMed 35052457; PubMed 35118593.